The following is an entry in ClinVar:

NM_004453.4(ETFDH):c.1399G>C (p.Gly467Arg)

Gene: ETFDH (electron transfer flavoprotein dehydrogenase; plus strand). Cytogenetic location: 4q32.1.
Variant type: single nucleotide variant.
Coding change: c.1399G>C on transcript NM_004453.4 (MANE Select); coding-DNA position 1399, G replaced by C.
Protein change: p.Gly467Arg; replaces glycine 467 with arginine.
Molecular consequence: missense variant.
Genome position (GRCh38, 1-based): chr4:158,706,302, G>C. VCF-style: chr4-158706302-G-C. GRCh37 (hg19) VCF-style: chr4-159627454-G-C.
Other names: c.1258G>C, p.Gly420Arg (NM_001281737.2); c.1216G>C, p.Gly406Arg (NM_001281738.1); short protein forms G420R, G406R, G467R.
Identifiers: ClinVar variation 862527 (VCV000862527.12), dbSNP rs1174882036, ClinGen allele CA358564492.
Genomic context (GRCh38, chr4:158,706,302, plus strand): 5'-GAGCTATATTCTGTTAGAAATATAAGACCGTCCTGCCACGGAGTACTGGGTGTATATGGA[G>C]GGATGATTTACACTGGAATCTTTTACTGGATATTGAGAGGAATGGAGCCGTGGACTCTGA-3'
Protein context (NP_004444.2, residues 457-477): SCHGVLGVYG[Gly467Arg]MIYTGIFYWI

ClinVar aggregate classification (germline): Pathogenic. Review status: criteria provided, multiple submitters, no conflicts (2 of 4 stars). 3 submissions from 3 submitters: Pathogenic (3). Last evaluated 2025-12-29.

Conditions:
Multiple acyl-CoA dehydrogenase deficiency (MADD). Also called: Glutaric aciduria, type 2; Glutaric acidemia type II; GA 2; ETHYLMALONIC-ADIPICACIDURIA; GA II; Glutaric Acidemia type 2. Identifiers: Orphanet 26791, MedGen C0268596, MONDO:0009282, OMIM 231680.
Glutaric acidemia type 2C.

Allele frequency attached by ClinVar (database versions not stated): gnomAD exomes below 0.00001 and 0.00001; TOPMed below 0.00001; gnomAD 0.00001.
gnomAD v4.1: 3 of 1,612,340 alleles (0.00019%); highest among the groups gnomAD compares: East Asian, 0.0067%; no homozygotes.

Submissions (3):

Natera, Inc.
Classification: Pathogenic for Glutaric acidemia type 2C. Last evaluated: 2025-12-29. Review status: criteria provided, single submitter. Criteria: Natera Variant Classification Schema (03/2026). Collection method: clinical testing. Allele origin: germline.
Comment: The c.1399G>C variant in ETFDH is a missense variant predicted to cause substitution of glycine to arginine at amino acid 467. This variant is rare in the general population with a frequency below the threshold expected for the associated phenotype(s). This variant has been observed in one or more individuals affected with the associated recessive disease, as either homozygous or compound heterozygous with a second variant (PMID: 32393189, 19758981). Given the available evidence, this variant is classified as Pathogenic.

Baylor Genetics
Classification: Pathogenic for Multiple acyl-CoA dehydrogenase deficiency. Last evaluated: 2024-03-01. Review status: criteria provided, single submitter. Criteria: ACMG Guidelines, 2015. Collection method: clinical testing. Allele origin: unknown.

Labcorp Genetics (formerly Invitae), Labcorp
Classification: Pathogenic for Multiple acyl-CoA dehydrogenase deficiency. Last evaluated: 2023-07-29. Review status: criteria provided, single submitter. Criteria: Invitae Variant Classification Sherloc (09022015). Collection method: clinical testing. Allele origin: germline.
Comment: This sequence change replaces glycine, which is neutral and non-polar, with arginine, which is basic and polar, at codon 467 of the ETFDH protein (p.Gly467Arg). For these reasons, this variant has been classified as Pathogenic. Advanced modeling of protein sequence and biophysical properties (such as structural, functional, and spatial information, amino acid conservation, physicochemical variation, residue mobility, and thermodynamic stability) performed at Invitae indicates that this missense variant is not expected to disrupt ETFDH protein function. ClinVar contains an entry for this variant (Variation ID: 862527). This missense change has been observed in individual(s) with multiple acyl-CoA dehydrogenase deficiency (PMID: 19265687, 19758981, 32393189). In at least one individual the data is consistent with being in trans (on the opposite chromosome) from a pathogenic variant. This variant is present in population databases (no rsID available, gnomAD 0.01%).

Literature cited by the submitters: PubMed 32393189 (cited by Natera, Inc. and Labcorp Genetics (formerly Invitae), Labcorp); PubMed 19758981 (cited by Natera, Inc. and Labcorp Genetics (formerly Invitae), Labcorp); PubMed 19265687 (cited by Labcorp Genetics (formerly Invitae), Labcorp).